The following is an entry in ClinVar:

ClinVar aggregate classification (germline): Conflicting classifications of pathogenicity. Review status: criteria provided, conflicting classifications (1 of 4 stars). 12 submissions from 10 submitters: Uncertain significance (8); Likely benign (2). 2 of the submissions do not count toward it. Last evaluated 2024-06-11.

Conditions:
Acute febrile neutrophilic dermatosis (AFND). Also called: Sweet Syndrome; Gomm Button disease. Identifiers: Orphanet 3243, MedGen C0085077, MONDO:0011959, OMIM 608068.
Familial Mediterranean fever (FMF). Also called: Periodic peritonitis; Benign paroxysmal peritonitis; POLYSEROSITIS, FAMILIAL PAROXYSMAL; POLYSEROSITIS, RECURRENT. Identifiers: Orphanet 342, MedGen C0031069, MONDO:0018088, OMIM 249100. Disease mechanism: gain of function.
Familial Mediterranean fever, autosomal dominant. Also called: Dominant Familial Mediterranean Fever; FMF, AUTOSOMAL DOMINANT. Identifiers: Orphanet 342, MedGen C1851347, MONDO:0007601, OMIM 134610.

Allele frequency attached by ClinVar (database versions not stated): gnomAD exomes 0.00004 and 0.00006; ExAC 0.00005; gnomAD 0.00005; TOPMed 0.00005.
gnomAD v4.1: 99 of 1,601,668 alleles (0.0062%); highest among the groups gnomAD compares: Middle Eastern, 0.017%; no homozygotes.

Submissions (12):

Blueprint Genetics
Classification: Uncertain significance. Last evaluated: 2024-06-11. Review status: criteria provided, single submitter. Criteria: ACMG Guidelines, 2015. Collection method: clinical testing. Allele origin: germline.

Fulgent Genetics
Classification: Uncertain significance for Familial Mediterranean fever, autosomal dominant; Familial Mediterranean fever; Acute febrile neutrophilic dermatosis. Last evaluated: 2024-01-26. Review status: criteria provided, single submitter. Criteria: ACMG Guidelines, 2015. Collection method: clinical testing. Allele origin: germline.

Genome-Nilou Lab
Classification: Uncertain significance for Familial Mediterranean fever. Last evaluated: 2023-02-08. Review status: criteria provided, single submitter. Criteria: ACMG Guidelines, 2015. Collection method: clinical testing. Allele origin: germline.

Genome-Nilou Lab
Classification: Likely benign for Familial Mediterranean fever, autosomal dominant. Last evaluated: 2023-02-08. Review status: criteria provided, single submitter. Criteria: ACMG Guidelines, 2015. Collection method: clinical testing. Allele origin: germline.

Genome-Nilou Lab
Classification: Likely benign for Acute febrile neutrophilic dermatosis. Last evaluated: 2023-02-08. Review status: criteria provided, single submitter. Criteria: ACMG Guidelines, 2015. Collection method: clinical testing. Allele origin: germline.

Labcorp Genetics (formerly Invitae), Labcorp
Classification: Uncertain significance for Familial Mediterranean fever. Last evaluated: 2022-08-09. Review status: criteria provided, single submitter. Criteria: Invitae Variant Classification Sherloc (09022015). Collection method: clinical testing. Allele origin: germline.
Comment: This sequence change replaces serine, which is neutral and polar, with proline, which is neutral and non-polar, at codon 154 of the MEFV protein (p.Ser154Pro). This variant is present in population databases (rs756975501, gnomAD 0.007%). This missense change has been observed in individual(s) with familial Mediterranean fever (PMID: 29260407, 31989427). ClinVar contains an entry for this variant (Variation ID: 234355). Algorithms developed to predict the effect of missense changes on protein structure and function (SIFT, PolyPhen-2, Align-GVGD) all suggest that this variant is likely to be tolerated. In summary, the available evidence is currently insufficient to determine the role of this variant in disease. Therefore, it has been classified as a Variant of Uncertain Significance.

CeGaT Center for Human Genetics Tuebingen
Classification: Uncertain significance. Last evaluated: 2021-07-01. Review status: criteria provided, single submitter. Criteria: CeGaT Center For Human Genetics Tuebingen Variant Classification Criteria Version 2. Collection method: clinical testing. Allele origin: germline. Affected: yes. Observed: 1 variant allele.

Women's Health and Genetics/Laboratory Corporation of America, LabCorp
Classification: Uncertain significance. Last evaluated: 2021-03-01. Review status: criteria provided, single submitter. Criteria: LabCorp Variant Classification Summary - May 2015. Collection method: clinical testing. Allele origin: germline.
Comment: Variant summary: MEFV c.460T>C (p.Ser154Pro) results in a non-conservative amino acid change in the encoded protein sequence. Four of five in-silico tools predict a benign effect of the variant on protein function. The variant allele was found at a frequency of 3.9e-05 in 229956 control chromosomes (gnomAD). The available data on variant occurrences in the general population are insufficient to allow any conclusion about variant significance. c.460T>C has been reported in the literature in individuals affected with Familial Mediterranean Fever (Berdeli 2013, Balta 2018, Lane 2013, Martorana 2013, Rowczenio 2013) and also in a patient with primary immunodeficiency (Gallo 2016). These reports do not provide unequivocal conclusions about association of the variant with Familial Mediterranean Fever. Three other ClinVar submitters (evaluation after 2014) cite the variant as uncertain significance. Based on the evidence outlined above, the variant was classified as uncertain significance.

Dubai Health Genomic Medicine Center, Dubai Health
Classification: Uncertain significance for Familial Mediterranean fever, autosomal dominant. Last evaluated: 2020-01-22. Review status: criteria provided, single submitter. Criteria: ACMG Guidelines, 2015. Collection method: clinical testing. Allele origin: germline. Affected: yes.
Comment: The p.Ser154Pro in MEFV has not been previously reported in affected individuals but has been identified in 10/261288 (0.0038% 0 homozygotes) total alleles in the Genome Aggregation Database (gnomAD). Conservation analysis and computational prediction tools do not suggest an impact to protein function however this information is not predictive enough to rule out pathogenicity. In summary more information is needed to determine the clinical significance of this variant.

GeneDx
Classification: Uncertain significance. Last evaluated: 2019-07-01. Review status: criteria provided, single submitter. Criteria: GeneDx Variant Classification Process June 2021. Collection method: clinical testing. Allele origin: germline. Affected: yes.
Comment: Identified with a second variant on the opposite allele (in trans) and as heterozygous with no second variant in individuals with Familial Mediterranean fever (Balta et al., 2018); In silico analysis, which includes protein predictors and evolutionary conservation, supports that this variant does not alter protein structure/function; This variant is associated with the following publications: (PMID: 29260407, 31989427)

Natera, Inc.
Classification: Uncertain significance for Familial Mediterranean fever. Last evaluated: 2020-09-16. Review status: no assertion criteria provided. Collection method: clinical testing. Allele origin: germline. Not counted in ClinVar's aggregate classification.

Molecular Genetics Laboratory, BC Children's and BC Women's Hospitals
Classification: Uncertain significance for Familial Mediterranean fever. Last evaluated: 2020-03-02. Review status: no assertion criteria provided. Criteria: ACMG Guidelines, 2015. Collection method: clinical testing. Allele origin: germline. Affected: yes. Not counted in ClinVar's aggregate classification.

Literature cited by the submitters: PubMed 29260407 (cited by Labcorp Genetics (formerly Invitae), Labcorp and Women's Health and Genetics/Laboratory Corporation of America, LabCorp); PubMed 31989427 (cited by Labcorp Genetics (formerly Invitae), Labcorp); PubMed 29599418 (cited by Women's Health and Genetics/Laboratory Corporation of America, LabCorp); PubMed 27872624 (cited by Women's Health and Genetics/Laboratory Corporation of America, LabCorp); PubMed 23280696 (cited by Women's Health and Genetics/Laboratory Corporation of America, LabCorp); PubMed 31411330 (cited by Women's Health and Genetics/Laboratory Corporation of America, LabCorp).

NM_000243.3(MEFV):c.460T>C (p.Ser154Pro)

Gene: MEFV (MEFV innate immunity regulator, pyrin; minus strand). Cytogenetic location: 16p13.3.
Variant type: single nucleotide variant.
Coding change: c.460T>C on transcript NM_000243.3 (MANE Select); coding-DNA position 460, T replaced by C.
Protein change: p.Ser154Pro; replaces serine 154 with proline.
Molecular consequence: missense variant. On other transcripts: intron variant (1).
Genome position (GRCh38, 1-based): chr16:3,254,608, A>G on the plus strand (T>C on the coding strand, the complement: MEFV is on the minus strand). VCF-style: chr16-3254608-A-G. GRCh37 (hg19) VCF-style: chr16-3304608-A-G.
Other names: c.277+1703T>C (NM_001198536.2); short protein forms S154P.
Identifiers: ClinVar variation 234355 (VCV000234355.51), dbSNP rs756975501, ClinGen allele CA7860420.